The following is an entry in ClinVar:

NM_014244.5(ADAMTS2):c.1239-4G>A

Gene: ADAMTS2 (ADAM metallopeptidase with thrombospondin type 1 motif 2; minus strand). Cytogenetic location: 5q35.3.
Variant type: single nucleotide variant.
Coding change: c.1239-4G>A on transcript NM_014244.5 (MANE Select); 4 bases into the intron before coding-DNA position 1239, G replaced by A.
Molecular consequence: intron variant.
Genome position (GRCh38, 1-based): chr5:179,154,196, C>T on the plus strand (G>A on the coding strand, the complement: ADAMTS2 is on the minus strand). VCF-style: chr5-179154196-C-T. GRCh37 (hg19) VCF-style: chr5-178581197-C-T.
Other names: c.1239-4G>A (NM_021599.4).
Identifiers: ClinVar variation 514899 (VCV000514899.10), dbSNP rs922294987, ClinGen allele CA133050781.

ClinVar aggregate classification (germline): Likely benign. Review status: criteria provided, multiple submitters, no conflicts (2 of 4 stars). 2 submissions from 2 submitters: Likely benign (2). Last evaluated 2026-01-09.

Conditions:
Ehlers-Danlos syndrome, dermatosparaxis type. Also called: Dermatosparaxis; EDS VIIC; Ehlers-Danlos syndrome, type VII, autosomal recessive. Identifiers: Orphanet 1901, MedGen C2700425, MONDO:0009161, OMIM 225410.

Allele frequency attached by ClinVar (database versions not stated): gnomAD 0.00001; gnomAD exomes 0.00002 and 0.00005; TOPMed 0.00002.
gnomAD v4.1: 34 of 1,548,864 alleles (0.0022%); highest among the groups gnomAD compares: South Asian, 0.027%; 1 homozygote.

Submissions (2):

Labcorp Genetics (formerly Invitae), Labcorp
Classification: Likely benign for Ehlers-Danlos syndrome, dermatosparaxis type. Last evaluated: 2026-01-09. Review status: criteria provided, single submitter. Criteria: Invitae Variant Classification Sherloc (09022015). Collection method: clinical testing. Allele origin: germline.

GeneDx
Classification: Likely benign. Last evaluated: 2018-01-29. Review status: criteria provided, single submitter. Criteria: GeneDx Variant Classification (06012015). Collection method: clinical testing. Allele origin: germline. Affected: yes.
Comment: This variant is considered likely benign or benign based on one or more of the following criteria: it is a conservative change, it occurs at a poorly conserved position in the protein, it is predicted to be benign by multiple in silico algorithms, and/or has population frequency not consistent with disease.